The following is an entry in ClinVar:

ClinVar aggregate classification (germline): Likely pathogenic (1 of 4 stars; one submission).

Conditions:
Mucolipidosis type IV (ML4). Also called: ML IV. Identifiers: Orphanet 578, MedGen C0238286, MONDO:0009653, OMIM 252650.

Allele frequency attached by ClinVar (database versions not stated): gnomAD exomes below 0.00001.
gnomAD v4.1: 1 of 1,602,256 alleles (0.000062%); highest among the groups gnomAD compares: East Asian, 0.0022%; no homozygotes.

Submission:

Myriad Genetics, Inc.
Classification: Likely pathogenic for Mucolipidosis type IV. Last evaluated: 2022-03-02. Review status: criteria provided, single submitter. Criteria: Myriad Women's Health Autosomal Recessive and X-Linked Classification Criteria (2021). Collection method: clinical testing. Allele origin: unknown.
Comment: NM_020533.2(MCOLN1):c.679A>T(K227*) is expected to be pathogenic in the context of mucolipidosis IV. This variant is predicted to lead to an abnormal or absent protein product due to the creation of a premature termination codon in MCOLN1, a gene where loss-of-function variants are known to be pathogenic. Please note: this variant was assessed in the context of healthy population screening.

NM_020533.3(MCOLN1):c.679A>T (p.Lys227Ter)

Gene: MCOLN1 (mucolipin TRP cation channel 1; plus strand). Cytogenetic location: 19p13.2.
Variant type: single nucleotide variant.
Coding change: c.679A>T on transcript NM_020533.3 (MANE Select); coding-DNA position 679, A replaced by T.
Protein change: p.Lys227Ter; replaces lysine 227 with a stop codon.
Molecular consequence: nonsense.
Genome position (GRCh38, 1-based): chr19:7,527,627, A>T. VCF-style: chr19-7527627-A-T. GRCh37 (hg19) VCF-style: chr19-7592513-A-T.
Other names: short protein forms K227*.
Identifiers: ClinVar variation 1724921 (VCV001724921.2), dbSNP rs2512470634, ClinGen allele CA403082519.
Genomic context (GRCh38, chr19:7,527,627, plus strand): 5'-GACGATCTCACCCTCTTGGAAAGCAGCTCCAGTTACAAGAACCTCACGCTCAAATTCCAC[A>T]AGTACTGCCTGCTCACTCGAGGGGGGCCCAGGGTGGGGGAGGCAGCACACTAGGCACTCT-3'